The following is an entry in ClinVar:

ClinVar aggregate classification (germline): Pathogenic/Likely pathogenic. Review status: criteria provided, multiple submitters, no conflicts (2 of 4 stars). 4 submissions from 4 submitters: Pathogenic (1); Likely pathogenic (2). 1 of the submissions does not count toward it. Last evaluated 2026-01-05.

Conditions:
Niemann-Pick disease, type C (NPC). Identifiers: Orphanet 646, MedGen C0220756, MONDO:0018982.
Niemann-Pick disease, type C1. Also called: NIEMANN-PICK DISEASE, VARIANT TYPE C1; NEUROVISCERAL STORAGE DISEASE WITH VERTICAL SUPRANUCLEAR OPHTHALMOPLEGIA; NIEMANN-PICK DISEASE WITH CHOLESTEROL ESTERIFICATION BLOCK; NIEMANN-PICK DISEASE WITHOUT SPHINGOMYELINASE DEFICIENCY; NIEMANN-PICK DISEASE, CHRONIC NEURONOPATHIC FORM. Identifiers: Orphanet 646, MedGen C3179455, MONDO:0009757, OMIM 257220.

Submissions (4):

Labcorp Genetics (formerly Invitae), Labcorp
Classification: Pathogenic for Niemann-Pick disease, type C1. Last evaluated: 2026-01-05. Review status: criteria provided, single submitter. Criteria: Invitae Variant Classification Sherloc (09022015). Collection method: clinical testing. Allele origin: germline.
Comment: This sequence change replaces cysteine, which is neutral and slightly polar, with arginine, which is basic and polar, at codon 113 of the NPC1 protein (p.Cys113Arg). This variant is not present in population databases (gnomAD no frequency). This missense change has been observed in individual(s) with Niemann-Pick disease type C (PMID: 12554680). In at least one individual the data is consistent with being in trans (on the opposite chromosome) from a pathogenic variant. ClinVar contains an entry for this variant (Variation ID: 2978). Invitae Evidence Modeling of protein sequence and biophysical properties (such as structural, functional, and spatial information, amino acid conservation, physicochemical variation, residue mobility, and thermodynamic stability) indicates that this missense variant is expected to disrupt NPC1 protein function with a positive predictive value of 95%. Experimental studies have shown that this missense change affects NPC1 function (PMID: 12554680). For these reasons, this variant has been classified as Pathogenic.

Dasa
Classification: Likely pathogenic for Niemann-Pick disease, type C1. Last evaluated: 2025-10-16. Review status: criteria provided, single submitter. Criteria: DASA Assertion Criteria. Collection method: clinical testing. Allele origin: germline.
Comment: NM_000271.5(NPC1):c.337T>C (p.Cys113Arg) is a missense variant that results in the substitution of cysteine with arginine. This variant has been reported in individuals with NPC1-related disorders (PMID: 12554680). Functional evidence supports an impact on the gene or gene product (PMID: 12554680). Also, this variant is rare in population databases. Computational evidence supports a deleterious effect. Based on the currently available evidence, this variant is classified as likely pathogenic.

Women's Health and Genetics/Laboratory Corporation of America, LabCorp
Classification: Likely pathogenic for Niemann-Pick disease, type C. Last evaluated: 2025-10-07. Review status: criteria provided, single submitter. Criteria: LabCorp Variant Classification Summary - May 2015. Collection method: clinical testing. Allele origin: germline.
Comment: Variant summary: NPC1 c.337T>C (p.Cys113Arg) results in a non-conservative amino acid change in the encoded protein sequence. Algorithms developed to predict the effect of missense changes on protein structure and function all suggest that this variant is likely to be disruptive. The variant was absent in 251388 control chromosomes. c.337T>C has been reported in the presumed compound heterozygous state in the literature as a presumably de-novo occurrence resulting in a compound heterozygous genotype in at-least one individual affected with infantile NiemannPick type C disease (example, Blom_2003 with subsequent citations by others). At least one publication reports experimental evidence evaluating an impact on protein function demonstrating 1. increased accumulation of cholesterol in patient cells, 2. an inability of the mutant protein to reverse cholesterol accumulation in NPC1-deficient cells and 3. failure to localize correctly to late endocytic compartments and mislocalization to the ER. The following publications have been ascertained in the context of this evaluation (PMID: 12554680, 25131710, 12955717, 31543266, 31509197, 28957316, 15465421, 15465423, 27238017, 26275289, 12974729, 28193631). ClinVar contains an entry for this variant (Variation ID: 2978). Based on the evidence outlined above, the variant was classified as likely pathogenic.

OMIM
Classification: Pathogenic for NIEMANN-PICK DISEASE, TYPE C1. Last evaluated: 2003-02-01. Review status: no assertion criteria provided. Collection method: literature only. Allele origin: germline. Not counted in ClinVar's aggregate classification.

Literature cited by the submitters: PubMed 12554680 (cited by 4 submitters); PubMed 31509197 (cited by Dasa and Women's Health and Genetics/Laboratory Corporation of America, LabCorp); PubMed 12955717 (cited by Women's Health and Genetics/Laboratory Corporation of America, LabCorp); PubMed 28957316 (cited by Women's Health and Genetics/Laboratory Corporation of America, LabCorp); PubMed 27238017 (cited by Women's Health and Genetics/Laboratory Corporation of America, LabCorp); PubMed 15465421 (cited by Women's Health and Genetics/Laboratory Corporation of America, LabCorp); PubMed 25131710 (cited by Women's Health and Genetics/Laboratory Corporation of America, LabCorp); PubMed 28193631 (cited by Women's Health and Genetics/Laboratory Corporation of America, LabCorp); PubMed 31543266 (cited by Women's Health and Genetics/Laboratory Corporation of America, LabCorp); PubMed 12974729 (cited by Women's Health and Genetics/Laboratory Corporation of America, LabCorp); PubMed 15465423 (cited by Women's Health and Genetics/Laboratory Corporation of America, LabCorp); PubMed 26275289 (cited by Women's Health and Genetics/Laboratory Corporation of America, LabCorp).

NM_000271.5(NPC1):c.337T>C (p.Cys113Arg)

Gene: NPC1 (NPC intracellular cholesterol transporter 1; minus strand). Cytogenetic location: 18q11.2.
Variant type: single nucleotide variant.
Coding change: c.337T>C on transcript NM_000271.5 (MANE Select); coding-DNA position 337, T replaced by C.
Protein change: p.Cys113Arg; replaces cysteine 113 with arginine.
Molecular consequence: missense variant.
Genome position (GRCh38, 1-based): chr18:23,568,949, A>G on the plus strand (T>C on the coding strand, the complement: NPC1 is on the minus strand). VCF-style: chr18-23568949-A-G. GRCh37 (hg19) VCF-style: chr18-21148913-A-G.
Other names: short protein forms C113R.
Identifiers: ClinVar variation 2978 (VCV000002978.11), dbSNP rs120074136, ClinGen allele CA252503.